The following is an entry in ClinVar:

ClinVar aggregate classification (germline): Pathogenic (1 of 4 stars; one submission).

Submission:

Labcorp Genetics (formerly Invitae), Labcorp
Classification: Pathogenic. Last evaluated: 2022-10-26. Review status: criteria provided, single submitter. Criteria: Invitae Variant Classification Sherloc (09022015). Collection method: clinical testing. Allele origin: germline.
Comment: For these reasons, this variant has been classified as Pathogenic. This variant has not been reported in the literature in individuals affected with COL2A1-related conditions. This variant is not present in population databases (gnomAD no frequency). This sequence change creates a premature translational stop signal (p.Glu1273Argfs*14) in the COL2A1 gene. It is expected to result in an absent or disrupted protein product. Loss-of-function variants in COL2A1 are known to be pathogenic (PMID: 20179744).

Literature cited by the submitters: PubMed 20179744.

NM_001844.5(COL2A1):c.3816del (p.Glu1273fs)

Gene: COL2A1 (collagen type II alpha 1 chain; minus strand). Cytogenetic location: 12q13.11.
Variant type: Deletion.
Coding change: c.3816del on transcript NM_001844.5 (MANE Select); coding-DNA position 3816, one base deleted (C; older notation c.3816delC).
Protein change: p.Glu1273fs; shifts the reading frame from glutamic acid 1273.
Molecular consequence: frameshift variant.
Genome position (GRCh38, 1-based): chr12:47,975,387, G deleted on the plus strand (C on the coding strand, the reverse complement: COL2A1 is on the minus strand); the first of 4 consecutive G bases (chr12:47,975,387-47,975,390); deleting any one gives the same sequence. VCF-style (leftmost placement, unchanged base first): chr12-47975386-CG-C. GRCh37 (hg19) VCF-style: chr12-48369169-CG-C.
Other names: c.3609del, p.Glu1204fs (NM_033150.3); short protein forms E1204fs, E1273fs.
Identifiers: ClinVar variation 2809791 (VCV002809791.3), dbSNP rs2540099807, ClinGen allele CA2739271943.